The following is an entry in ClinVar:

NM_000129.4(F13A1):c.1226G>A (p.Arg409Gln)

Gene: F13A1 (coagulation factor XIII A chain; minus strand). Cytogenetic location: 6p25.1.
Variant type: single nucleotide variant.
Coding change: c.1226G>A on transcript NM_000129.4 (MANE Select); coding-DNA position 1226, G replaced by A.
Protein change: p.Arg409Gln; replaces arginine 409 with glutamine.
Molecular consequence: missense variant.
Genome position (GRCh38, 1-based): chr6:6,195,876, C>T on the plus strand (G>A on the coding strand, the complement: F13A1 is on the minus strand). VCF-style: chr6-6195876-C-T. GRCh37 (hg19) VCF-style: chr6-6196109-C-T.
Other names: p.Arg409Gln; short protein forms R409Q.
Identifiers: ClinVar variation 3380999 (VCV003380999.2).
Genomic context (GRCh38, chr6:6,195,876, plus strand): 5'-GCATCAAATTGGAAGCAGACATGGCCGTGCTTGATGGCTTGAACCGAGGCGGGGCCACAC[C>T]GATACATGCCTGCATTGCACAGAGGAAGGGCGGTGTGAGTTTGTCATCTCCAATTCTGTC-3'
Protein context (NP_000120.2, residues 399-419): TPQENSDGMY[Arg409Gln]CGPASVQAIK

ClinVar aggregate classification (germline): Likely pathogenic. Review status: criteria provided, multiple submitters, no conflicts (2 of 4 stars). 2 submissions from 2 submitters: Likely pathogenic (2). Last evaluated 2024-11-12.

Conditions:
Intracranial hemorrhage. Also called: Intracranial bleed; Intracranial Hemorrhages. Identifiers: MedGen C0151699, HP:0002170, MONDO:0005049.

gnomAD v4.1: 25 of 1,614,100 alleles (0.0015%); highest among the groups gnomAD compares: Non-Finnish European, 0.0019%; no homozygotes.

Submissions (2):

Clinical Genetics Laboratory, Skane University Hospital Lund
Classification: Likely pathogenic for Intracranial hemorrhage. Last evaluated: 2024-11-12. Review status: criteria provided, single submitter. Criteria: ACMG Guidelines, 2015. Collection method: clinical testing. Allele origin: germline. Affected: yes.
Comment: ACMG criteria used: PS4_Supporting (previously reported homozygous in two patients PMID: 8555083, 28704210), PM2, PM3 (detected in trans, in this patient, with a pathogenic F13A1-variant p.Arg662Ter, ClinVar Variation ID: 16539), PM5_Supporting

Mayo Clinic Laboratories, Mayo Clinic
Classification: Likely pathogenic. Last evaluated: 2024-07-08. Review status: criteria provided, single submitter. Criteria: ACMG Guidelines, 2015. Collection method: clinical testing. Allele origin: germline. Observed: 1 variant allele.
Comment: PP4, PM2, PM3, PS4_moderate

Literature cited by the submitters: PubMed 19937244 (cited by Mayo Clinic Laboratories, Mayo Clinic); PubMed 26852661 (cited by Mayo Clinic Laboratories, Mayo Clinic); PubMed 28013530 (cited by Mayo Clinic Laboratories, Mayo Clinic); PubMed 28520207 (cited by Mayo Clinic Laboratories, Mayo Clinic); PubMed 28704210 (cited by Mayo Clinic Laboratories, Mayo Clinic); PubMed 29307277 (cited by Mayo Clinic Laboratories, Mayo Clinic); PubMed 30578706 (cited by Mayo Clinic Laboratories, Mayo Clinic); PubMed 34426522 (cited by Mayo Clinic Laboratories, Mayo Clinic); PubMed 36372609 (cited by Mayo Clinic Laboratories, Mayo Clinic); PubMed 37006978 (cited by Mayo Clinic Laboratories, Mayo Clinic); PubMed 37251713 (cited by Mayo Clinic Laboratories, Mayo Clinic); PubMed 37304469 (cited by Mayo Clinic Laboratories, Mayo Clinic); PubMed 37647632 (cited by Mayo Clinic Laboratories, Mayo Clinic); PubMed 38022233 (cited by Mayo Clinic Laboratories, Mayo Clinic); PubMed 8555083 (cited by Mayo Clinic Laboratories, Mayo Clinic).